The following is an entry in ClinVar:

NM_000059.4(BRCA2):c.5709del (p.Leu1904fs)

Gene: BRCA2 (BRCA2 DNA repair associated; plus strand). Cytogenetic location: 13q13.1.
Variant type: Deletion.
Coding change: c.5709del on transcript NM_000059.4 (MANE Select); coding-DNA position 5709, one base deleted (T; older notation c.5709delT).
Protein change: p.Leu1904fs; shifts the reading frame from leucine 1904.
Molecular consequence: frameshift variant. On other transcripts: non-coding transcript variant (1), intron variant (2).
Genome position (GRCh38, 1-based): chr13:32,340,064, T deleted; the last of 2 consecutive T bases (chr13:32,340,063-32,340,064); deleting either gives the same sequence. VCF-style (leftmost placement, unchanged base first): chr13-32340062-AT-A. GRCh37 (hg19) VCF-style: chr13-32914199-AT-A.
Other names: c.5709del, p.Leu1904fs (NM_001406719.1, NM_001406720.1, NM_001432077.1); c.1910-4494del (NM_001406721.1); c.425-4494del (NM_001406722.1); short protein forms L1904fs.
Identifiers: ClinVar variation 3613688 (VCV003613688.2).

ClinVar aggregate classification (germline): Pathogenic (1 of 4 stars; one submission).

Conditions:
Hereditary breast ovarian cancer syndrome. Also called: Hereditary breast and ovarian cancer syndrome; Breast and ovarian cancer; Hereditary breast and ovarian cancer syndrome (HBOC); Hereditary breast and ovarian cancer; BRCA1- and BRCA2-Associated Hereditary Breast and Ovarian Cancer; Hereditary breast and/or ovarian cancer syndrome. Identifiers: Orphanet 145, MedGen C0677776, MeSH D061325, MONDO:0003582. Disease mechanism: loss of function.

Submission:

Labcorp Genetics (formerly Invitae), Labcorp
Classification: Pathogenic for Hereditary breast ovarian cancer syndrome. Last evaluated: 2024-04-22. Review status: criteria provided, single submitter. Criteria: Invitae Variant Classification Sherloc (09022015). Collection method: clinical testing. Allele origin: germline.
Comment: This sequence change creates a premature translational stop signal (p.Leu1904Phefs*5) in the BRCA2 gene. It is expected to result in an absent or disrupted protein product. Loss-of-function variants in BRCA2 are known to be pathogenic (PMID: 20104584). This variant is not present in population databases (gnomAD no frequency). This premature translational stop signal has been observed in individual(s) with prostate cancer (PMID: 31214711). For these reasons, this variant has been classified as Pathogenic.

Literature cited by the submitters: PubMed 20104584; PubMed 31214711.